The following is an entry in ClinVar:

NM_173551.5(ANKS6):c.1510dup (p.Gln504fs)

Gene: ANKS6 (ankyrin repeat and sterile alpha motif domain containing 6; minus strand). Cytogenetic location: 9q22.33.
Variant type: Duplication.
Coding change: c.1510dup on transcript NM_173551.5 (MANE Select); coding-DNA position 1510, one base duplicated (C; older notation c.1510dupC).
Protein change: p.Gln504fs; shifts the reading frame from glutamine 504.
Molecular consequence: frameshift variant.
Genome position (GRCh38, 1-based): chr9:98,778,283, G duplicated on the plus strand (C on the coding strand, the reverse complement: ANKS6 is on the minus strand); the first of 6 consecutive G bases (chr9:98,778,283-98,778,288); duplicating any one gives the same sequence. VCF-style (leftmost placement, unchanged base first): chr9-98778282-T-TG. GRCh37 (hg19) VCF-style: chr9-101540564-T-TG.
Other names: short protein forms Q504fs.
Identifiers: ClinVar variation 3661824 (VCV003661824.2).

ClinVar aggregate classification (germline): Pathogenic (1 of 4 stars; one submission).

Conditions:
Nephronophthisis 16 (NPHP16). Identifiers: Orphanet 655, MedGen C3809320, MONDO:0014158, OMIM 615382.

Submission:

Labcorp Genetics (formerly Invitae), Labcorp
Classification: Pathogenic for Nephronophthisis 16. Last evaluated: 2024-08-28. Review status: criteria provided, single submitter. Criteria: Invitae Variant Classification Sherloc (09022015). Collection method: clinical testing. Allele origin: germline.
Comment: This sequence change creates a premature translational stop signal (p.Gln504Profs*11) in the ANKS6 gene. It is expected to result in an absent or disrupted protein product. Loss-of-function variants in ANKS6 are known to be pathogenic (PMID: 23793029, 25599650). This variant is present in population databases (no rsID available, gnomAD 0.002%). This variant has not been reported in the literature in individuals affected with ANKS6-related conditions. For these reasons, this variant has been classified as Pathogenic.

Literature cited by the submitters: PubMed 23793029; PubMed 25599650.